The following is an entry in ClinVar:

NM_001130987.2(DYSF):c.6305T>G (p.Phe2102Cys)

Gene: DYSF (dysferlin; plus strand). Cytogenetic location: 2p13.2.
Variant type: single nucleotide variant.
Coding change: c.6305T>G on transcript NM_001130987.2 (MANE Select); coding-DNA position 6305, T replaced by G.
Protein change: p.Phe2102Cys; replaces phenylalanine 2102 with cysteine.
Molecular consequence: missense variant.
Genome position (GRCh38, 1-based): chr2:71,682,661, T>G. VCF-style: chr2-71682661-T-G. GRCh37 (hg19) VCF-style: chr2-71909791-T-G.
Other names: c.6191T>G, p.Phe2064Cys (NM_001130455.2); c.6146T>G, p.Phe2049Cys (NM_001130976.2); c.6209T>G, p.Phe2070Cys (NM_001130977.2); c.6251T>G, p.Phe2084Cys (NM_001130978.2); c.6281T>G, p.Phe2094Cys (NM_001130979.2); c.6239T>G, p.Phe2080Cys (NM_001130980.2); c.6302T>G, p.Phe2101Cys (NM_001130981.2); c.6284T>G, p.Phe2095Cys (NM_001130982.2); and 5 more; short protein forms F2063C, F2064C, F2070C, F2071C, F2081C, F2084C, F2101C, F2094C.
Identifiers: ClinVar variation 2886890 (VCV002886890.3), dbSNP rs2546652931, ClinGen allele CA347227440.

ClinVar aggregate classification (germline): Likely pathogenic (1 of 4 stars; one submission).

Conditions:
Neuromuscular disease caused by qualitative or quantitative defects of dysferlin. Also called: Dysferlinopathy; Qualitative or quantitative defects of dysferlin. Identifiers: Orphanet 207073, MedGen C2931687, MONDO:0016145.

Submission:

Labcorp Genetics (formerly Invitae), Labcorp
Classification: Likely pathogenic for Neuromuscular disease caused by qualitative or quantitative defects of dysferlin. Last evaluated: 2023-12-04. Review status: criteria provided, single submitter. Criteria: Invitae Variant Classification Sherloc (09022015). Collection method: clinical testing. Allele origin: germline.
Comment: This sequence change replaces phenylalanine, which is neutral and non-polar, with cysteine, which is neutral and slightly polar, at codon 2063 of the DYSF protein (p.Phe2063Cys). This variant is not present in population databases (gnomAD no frequency). This missense change has been observed in individual(s) with clinical features of DYSF-associated conditions (Invitae). In at least one individual the data is consistent with being in trans (on the opposite chromosome) from a pathogenic variant. Advanced modeling of protein sequence and biophysical properties (such as structural, functional, and spatial information, amino acid conservation, physicochemical variation, residue mobility, and thermodynamic stability) performed at Invitae indicates that this missense variant is expected to disrupt DYSF protein function with a positive predictive value of 95%. In summary, the currently available evidence indicates that the variant is pathogenic, but additional data are needed to prove that conclusively. Therefore, this variant has been classified as Likely Pathogenic.